The following is an entry in ClinVar:

ClinVar aggregate classification (germline): Uncertain significance. Review status: criteria provided, multiple submitters, no conflicts (2 of 4 stars). 5 submissions from 5 submitters: Uncertain significance (5). Last evaluated 2025-09-13.

Conditions:
Ehlers-Danlos syndrome, type 4 (EDSVASC). Also called: Ehlers-Danlos syndrome vascular type; Ehlers Danlos syndrome, ecchymotic type; Ehlers Danlos syndrome, arterial type; Ehlers Danlos syndrome, Sack-Barabas type; Ehlers-Danlos Syndrome Type IV. Identifiers: Orphanet 286, MedGen C0268338, MONDO:0017314, OMIM 130050.
Familial thoracic aortic aneurysm and aortic dissection (TAAD). Also called: Thoracic aortic aneurysms and dissections. Identifiers: Orphanet 91387, MedGen C4707243, MONDO:0019625.

Allele frequency attached by ClinVar (database versions not stated): gnomAD exomes below 0.00001.
gnomAD v4.1: 4 of 1,614,184 alleles (0.00025%); highest among the groups gnomAD compares: Non-Finnish European, 0.00034%; no homozygotes.

Submissions (5):

Labcorp Genetics (formerly Invitae), Labcorp
Classification: Uncertain significance for Ehlers-Danlos syndrome, type 4. Last evaluated: 2025-09-13. Review status: criteria provided, single submitter. Criteria: Invitae Variant Classification Sherloc (09022015). Collection method: clinical testing. Allele origin: germline.
Comment: This sequence change replaces proline, which is neutral and non-polar, with serine, which is neutral and polar, at codon 1189 of the COL3A1 protein (p.Pro1189Ser). This variant is present in population databases (no rsID available, gnomAD 0.0009%). This variant has not been reported in the literature in individuals affected with COL3A1-related conditions. ClinVar contains an entry for this variant (Variation ID: 927463). Invitae Evidence Modeling of protein sequence and biophysical properties (such as structural, functional, and spatial information, amino acid conservation, physicochemical variation, residue mobility, and thermodynamic stability) indicates that this missense variant is not expected to disrupt COL3A1 protein function with a negative predictive value of 95%. In summary, the available evidence is currently insufficient to determine the role of this variant in disease. Therefore, it has been classified as a Variant of Uncertain Significance.

Ambry Genetics
Classification: Uncertain significance for Familial thoracic aortic aneurysm and aortic dissection. Last evaluated: 2024-07-25. Review status: criteria provided, single submitter. Criteria: Ambry Variant Classification Scheme 2023. Collection method: clinical testing. Allele origin: germline.
Comment: The p.P1189S variant (also known as c.3565C>T), located in coding exon 48 of the COL3A1 gene, results from a C to T substitution at nucleotide position 3565. The proline at codon 1189 is replaced by serine, an amino acid with similar properties. This amino acid position is well conserved in available vertebrate species. In addition, the in silico prediction for this alteration is inconclusive. Since supporting evidence is limited at this time, the clinical significance of this alteration remains unclear.

GeneDx
Classification: Uncertain significance. Last evaluated: 2024-07-07. Review status: criteria provided, single submitter. Criteria: GeneDx Variant Classification Process June 2021. Collection method: clinical testing. Allele origin: germline. Affected: yes.
Comment: Has not been previously published as pathogenic or benign to our knowledge; Not observed at significant frequency in large population cohorts (gnomAD); In silico analysis supports that this missense variant has a deleterious effect on protein structure/function; Occurs in the triple helical domain at the X position in the canonical Gly-X-Y repeat; although this variant may have an effect on normal protein folding and function, missense substitution at the X position is not a common mechanism of disease (HGMD)

Color Diagnostics, LLC DBA Color Health
Classification: Uncertain significance for Familial thoracic aortic aneurysm and aortic dissection. Last evaluated: 2024-03-07. Review status: criteria provided, single submitter. Criteria: ACMG Guidelines, 2015. Collection method: clinical testing. Allele origin: germline.
Comment: This missense variant replaces proline with serine at codon 1189 of the COL3A1 protein. Computational prediction is inconclusive regarding the impact of this variant on protein structure and function (internally defined REVEL score threshold 0.5 < inconclusive < 0.7, PMID: 27666373). Splice site prediction tools suggest that this variant may not impact RNA splicing. To our knowledge, functional studies have not been performed for this variant. This variant has not been reported in individuals affected with cardiovascular disorders in the literature. This variant has been identified in 1/251240 chromosomes in the general population by the Genome Aggregation Database (gnomAD). The available evidence is insufficient to determine the role of this variant in disease conclusively. Therefore, this variant is classified as a Variant of Uncertain Significance.

All of Us Research Program, National Institutes of Health
Classification: Uncertain significance for Ehlers-Danlos syndrome, type 4. Last evaluated: 2023-12-13. Review status: criteria provided, single submitter. Criteria: ACMG Guidelines, 2015. Collection method: clinical testing. Allele origin: germline. Inheritance: Autosomal dominant inheritance. Observed: 4 variant alleles, 4 heterozygotes.
Comment: This missense variant replaces proline with serine at codon 1189 of the COL3A1 protein. Computational prediction is inconclusive regarding the impact of this variant on protein structure and function (internally defined REVEL score threshold 0.5 < inconclusive < 0.7, PMID: 27666373). Splice site prediction tools suggest that this variant may not impact RNA splicing. To our knowledge, functional studies have not been performed for this variant. This variant has not been reported in individuals affected with cardiovascular disorders in the literature. This variant has been identified in 1/251240 chromosomes in the general population by the Genome Aggregation Database (gnomAD). The available evidence is insufficient to determine the role of this variant in disease conclusively. Therefore, this variant is classified as a Variant of Uncertain Significance.

This study involves interpretation of variants in research participants for the purpose of population health screening. Participant phenotype was not available at the time of variant classification. Additional details can be found in publication PMID: 35346344, PMCID: PMC8962531

NM_000090.4(COL3A1):c.3565C>T (p.Pro1189Ser)

Gene: COL3A1 (collagen type III alpha 1 chain; plus strand). Cytogenetic location: 2q32.2.
Variant type: single nucleotide variant.
Coding change: c.3565C>T on transcript NM_000090.4 (MANE Select); coding-DNA position 3565, C replaced by T.
Protein change: p.Pro1189Ser; replaces proline 1189 with serine.
Molecular consequence: missense variant.
Genome position (GRCh38, 1-based): chr2:189,008,963, C>T. VCF-style: chr2-189008963-C-T. GRCh37 (hg19) VCF-style: chr2-189873689-C-T.
Other names: short protein forms P1189S.
Identifiers: ClinVar variation 927463 (VCV000927463.19), dbSNP rs1324996402, ClinGen allele CA349846647.
Genomic context (GRCh38, chr2:189,008,963, plus strand): 5'-TCCATGTTTTACTCATTCTAGGGCTCCCCAGGCCACCCAGGGCAACCAGGCCCTCCTGGA[C>T]CTCCTGGTGCCCCTGGTCCTTGCTGTGGTGGTGTTGGAGCCGCTGCCATTGCTGGGATTG-3'
Protein context (NP_000081.2, residues 1179-1199): GHPGQPGPPG[Pro1189Ser]PGAPGPCCGG